The following is an entry in ClinVar:

NM_000548.5(TSC2):c.5259+34_5267dup

Gene: TSC2 (TSC complex subunit 2; plus strand). Cytogenetic location: 16p13.3.
Variant type: Duplication.
Coding change: c.5259+34_5267dup on transcript NM_000548.5 (MANE Select); 34 bases into the intron after coding-DNA position 5259 through coding-DNA position 5267, 95 bases duplicated.
Molecular consequence: splice acceptor variant.
Genome position (GRCh38, 1-based): chr16:2,088,359-2,088,453, 95 bases duplicated. GRCh37 (hg19): chr16:2,138,360-2,138,454.
Other names: c.3717+34_3725dup (NM_001406693.1, NM_001406692.1, NM_001406694.1); c.5151+34_5159dup (NM_001406667.1); c.5148+34_5156dup (NM_001406668.1); c.4659+34_4667dup (NM_001406680.1); c.4590+34_4598dup (NM_001406683.1, NM_001406682.1); c.4458+34_4466dup (NM_001406687.1, NM_001406688.1); c.3846+34_3854dup (NM_001406689.1); c.3786+34_3794dup (NM_001406690.1); and 27 more.
Identifiers: ClinVar variation 4727089 (VCV004727089.1).

ClinVar aggregate classification (germline): Uncertain significance (1 of 4 stars; one submission).

Conditions:
Tuberous sclerosis 2 (TSC2). Identifiers: Orphanet 805, MedGen C1860707, MONDO:0013199, OMIM 613254.

Submission:

Labcorp Genetics (formerly Invitae), Labcorp
Classification: Uncertain significance for Tuberous sclerosis 2. Last evaluated: 2025-09-15. Review status: criteria provided, single submitter. Criteria: Invitae Variant Classification Sherloc (09022015). Collection method: clinical testing. Allele origin: germline.
Comment: This sequence change falls in intron 41 of the TSC2 gene. It does not directly change the encoded amino acid sequence of the TSC2 protein. This variant is not present in population databases (gnomAD no frequency). This variant has not been reported in the literature in individuals affected with TSC2-related conditions. This variant is also known as p.Glu1756Aspfs*102. Experimental studies and prediction algorithms are not available or were not evaluated, and the effect of this variant on mRNA splicing is currently unknown. In summary, the available evidence is currently insufficient to determine the role of this variant in disease. Therefore, it has been classified as a Variant of Uncertain Significance.